The following is an entry in ClinVar:

ClinVar aggregate classification (germline): Pathogenic/Likely pathogenic. Review status: criteria provided, multiple submitters, no conflicts (2 of 4 stars). 3 submissions from 3 submitters: Pathogenic (1); Likely pathogenic (1). 1 of the submissions does not count toward it. Last evaluated 2025-03-13.

Conditions:
Neurodevelopmental disorder. Identifiers: MedGen C1535926, MeSH D065886, MONDO:0700092.
Neurodevelopmental disorder with hypotonia, impaired speech, and behavioral abnormalities (NEDHISB). Also called: GNAI1-Related Neurodevelopmental Disorder. Identifiers: MedGen C5676975, MONDO:0859243, OMIM 619854.

Submissions (3):

Variantyx, Inc.
Classification: Pathogenic for Neurodevelopmental disorder with hypotonia, impaired speech, and behavioral abnormalities. Last evaluated: 2025-03-13. Review status: criteria provided, single submitter. Criteria: Variantyx Assertion Criteria 2022. Collection method: clinical testing. Allele origin: de novo. Affected: yes.
Comment: This is a nonsynonymous variant in the GNAI1 gene (OMIM: 139310). Pathogenic variants in this gene have been associated with autosomal dominant neurodevelopmental disorder with hypotonia, impaired speech, and behavioral abnormalities. Multiple computational algorithms predict a deleterious effect for this variant (REVEL score: 0.946) (PP3_Moderate). This variant is absent from control populations (PM2_Supporting). Based on the current evidence, this variant is classified as pathogenic for autosomal dominant neurodevelopmental disorder with hypotonia, impaired speech, and behavioral abnormalities.

Institute of Human Genetics, University of Leipzig Medical Center
Classification: Likely pathogenic for Neurodevelopmental disorder. Last evaluated: 2019-10-21. Review status: criteria provided, single submitter. Criteria: ACMG Guidelines, 2015. Collection method: clinical testing. Allele origin: de novo. Affected: yes.
Comment: The variant was identified as de novo (maternity and paternity confirmed)

OMIM
Classification: Pathogenic for NEURODEVELOPMENTAL DISORDER WITH HYPOTONIA, IMPAIRED SPEECH, AND BEHAVIORAL ABNORMALITIES. Last evaluated: 2022-05-02. Review status: no assertion criteria provided. Collection method: literature only. Allele origin: germline. Not counted in ClinVar's aggregate classification.

Literature cited by the submitters: PubMed 33473207 (cited by OMIM).

NM_002069.6(GNAI1):c.143C>A (p.Thr48Lys)

Gene: GNAI1 (G protein subunit alpha i1; plus strand). Cytogenetic location: 7q21.11.
Variant type: single nucleotide variant.
Coding change: c.143C>A on transcript NM_002069.6 (MANE Select); coding-DNA position 143, C replaced by A.
Protein change: p.Thr48Lys; replaces threonine 48 with lysine.
Molecular consequence: missense variant. On other transcripts: 5 prime UTR variant (1).
Genome position (GRCh38, 1-based): chr7:80,188,975, C>A. VCF-style: chr7-80188975-C-A. GRCh37 (hg19) VCF-style: chr7-79818291-C-A.
Other names: c.-14C>A (NM_001256414.2); short protein forms T48K.
Identifiers: ClinVar variation 873455 (VCV000873455.3), dbSNP rs1788434338, ClinGen allele CA368011477.